The following is an entry in ClinVar:

ClinVar aggregate classification (germline): Conflicting classifications of pathogenicity. Review status: criteria provided, conflicting classifications (1 of 4 stars). 10 submissions from 9 submitters: Uncertain significance (1); Benign (1); Likely benign (5). 3 of the submissions do not count toward it. Last evaluated 2026-01-28.

Conditions:
ABCB4-related disorder. Also called: ABCB4-related disorders; ABCB4-related condition.
Cholestasis, intrahepatic, of pregnancy, 3. Identifiers: Orphanet 69665, MedGen C3554241, MONDO:0013995, OMIM 614972.
Progressive familial intrahepatic cholestasis type 3. Also called: MDR3 DEFICIENCY; Low Gamma-GT Familial Intrahepatic Cholestasis. Identifiers: Orphanet 79305, MedGen C1865643, MONDO:0011214, OMIM 602347.

Allele frequency attached by ClinVar (database versions not stated): 1000 Genomes Project 0.00120; 1000 Genomes Project 30x 0.00125; gnomAD 0.00175 and 0.00182; TOPMed 0.00181; ESP Exome Variant Server 0.00200; ExAC 0.00222; gnomAD exomes 0.00230.
gnomAD v4.1: 4,380 of 1,614,036 alleles (0.27%); highest among the groups gnomAD compares: South Asian, 0.31%; 11 homozygotes.

Submissions (10):

Labcorp Genetics (formerly Invitae), Labcorp
Classification: Likely benign. Last evaluated: 2026-01-28. Review status: criteria provided, single submitter. Criteria: Invitae Variant Classification Sherloc (09022015). Collection method: clinical testing. Allele origin: germline.

CeGaT Center for Human Genetics Tuebingen
Classification: Likely benign. Last evaluated: 2025-05-01. Review status: criteria provided, single submitter. Criteria: CeGaT Center For Human Genetics Tuebingen Variant Classification Criteria Version 2. Collection method: clinical testing. Allele origin: germline. Affected: yes. Observed: 4 variant alleles.
Comment: ABCB4: BP4, BS2

Blueprint Genetics
Classification: Likely benign. Last evaluated: 2024-11-22. Review status: criteria provided, single submitter. Criteria: ACMG Guidelines, 2015. Collection method: clinical testing. Allele origin: germline.

Illumina Laboratory Services, Illumina
Classification: Uncertain significance for Cholestasis, intrahepatic, of pregnancy, 3. Last evaluated: 2018-01-13. Review status: criteria provided, single submitter. Criteria: ICSL Variant Classification Criteria 13 December 2019. Collection method: clinical testing. Allele origin: germline.

Illumina Laboratory Services, Illumina
Classification: Likely benign for Progressive familial intrahepatic cholestasis type 3. Last evaluated: 2018-01-13. Review status: criteria provided, single submitter. Criteria: ICSL Variant Classification Criteria 13 December 2019. Collection method: clinical testing. Allele origin: germline.
Comment: This variant was observed in the ICSL laboratory as part of a predisposition screen in an ostensibly healthy population. It had not been previously curated by ICSL or reported in the Human Gene Mutation Database (HGMD: prior to June 1st, 2018), and was therefore a candidate for classification through an automated scoring system. Utilizing variant allele frequency, disease prevalence and penetrance estimates, and inheritance mode, an automated score was calculated to assess if this variant is too frequent to cause the disease. Based on the score and internal cut-off values, a variant classified as likely benign is not then subjected to further curation. The score for this variant resulted in a classification of likely benign for this disease.

Eurofins Ntd Llc (ga)
Classification: Benign. Last evaluated: 2017-04-12. Review status: criteria provided, single submitter. Criteria: EGL Classification Definitions 2015. Collection method: clinical testing. Allele origin: germline. Observed: 5 variant alleles, 5 heterozygotes.

GeneDx
Classification: Likely benign. Last evaluated: 2017-01-27. Review status: criteria provided, single submitter. Criteria: GeneDx Variant Classification (06012015). Collection method: clinical testing. Allele origin: germline. Affected: yes.
Comment: This variant is considered likely benign or benign based on one or more of the following criteria: it is a conservative change, it occurs at a poorly conserved position in the protein, it is predicted to be benign by multiple in silico algorithms, and/or has population frequency not consistent with disease.

PreventionGenetics, part of Exact Sciences
Classification: Benign for ABCB4-related condition. Last evaluated: 2024-08-28. Review status: no assertion criteria provided. Collection method: clinical testing. Allele origin: germline. Not counted in ClinVar's aggregate classification.
Comment: This variant is classified as benign based on ACMG/AMP sequence variant interpretation guidelines (Richards et al. 2015 PMID: 25741868, with internal and published modifications).

Clinical Genetics DNA and cytogenetics Diagnostics Lab, Erasmus MC, Erasmus Medical Center
Classification: Likely benign. Review status: no assertion criteria provided. Collection method: clinical testing. Allele origin: germline. Affected: yes. Study: VKGL Data-share Consensus. Not counted in ClinVar's aggregate classification.

Genome Diagnostics Laboratory, University Medical Center Utrecht
Classification: Likely benign. Review status: no assertion criteria provided. Collection method: clinical testing. Allele origin: germline. Affected: yes. Study: VKGL Data-share Consensus. Not counted in ClinVar's aggregate classification.

NM_000443.4(ABCB4):c.1893+6T>C

Gene: ABCB4 (ATP binding cassette subfamily B member 4; minus strand). Cytogenetic location: 7q21.12.
Variant type: single nucleotide variant.
Coding change: c.1893+6T>C on transcript NM_000443.4 (MANE Select); 6 bases into the intron after coding-DNA position 1893, T replaced by C.
Molecular consequence: intron variant.
Genome position (GRCh38, 1-based): chr7:87,431,398, A>G on the plus strand (T>C on the coding strand, the complement: ABCB4 is on the minus strand). VCF-style: chr7-87431398-A-G. GRCh37 (hg19) VCF-style: chr7-87060714-A-G.
Other names: c.1893+6T>C (NM_018850.3, NM_018849.3).
Identifiers: ClinVar variation 256159 (VCV000256159.47), dbSNP rs8187798, ClinGen allele CA4327186.
Genomic context (GRCh38, chr7:87,431,398, plus strand): 5'-TTTTAATATTTAAAGAACACTATATTGAGGAGCAAATAGCAGAAAAAATTCCTGAAAAGC[A>G]AGTACCTGCATGTTGACAAGTTTGAAGTACACCCCTTCCTTCTTCATCAGTTCGCTGTGG-3'